The following is an entry in ClinVar:

NM_000090.4(COL3A1):c.2824-6T>G

Gene: COL3A1 (collagen type III alpha 1 chain; plus strand). Cytogenetic location: 2q32.2.
Variant type: single nucleotide variant.
Coding change: c.2824-6T>G on transcript NM_000090.4 (MANE Select); 6 bases into the intron before coding-DNA position 2824, T replaced by G.
Molecular consequence: intron variant.
Genome position (GRCh38, 1-based): chr2:189,004,251, T>G. VCF-style: chr2-189004251-T-G. GRCh37 (hg19) VCF-style: chr2-189868977-T-G.
Identifiers: ClinVar variation 3894134 (VCV003894134.1).

ClinVar aggregate classification (germline): Uncertain significance (1 of 4 stars; one submission).

Conditions:
Familial thoracic aortic aneurysm and aortic dissection (TAAD). Also called: Thoracic aortic aneurysms and dissections. Identifiers: Orphanet 91387, MedGen C4707243, MONDO:0019625.

Submission:

Color Diagnostics, LLC DBA Color Health
Classification: Uncertain significance for Familial thoracic aortic aneurysm and aortic dissection. Last evaluated: 2024-10-01. Review status: criteria provided, single submitter. Criteria: ACMG Guidelines, 2015. Collection method: clinical testing. Allele origin: germline.
Comment: This variant causes a T to G nucleotide substitution at the -6 position of intron 39 of the COL3A1 gene. To our knowledge, functional studies have not been reported for this variant. This variant has not been reported in individuals affected with COL3A1-related disorders in the literature. This variant has not been identified in the general population by the Genome Aggregation Database (gnomAD). The available evidence is insufficient to determine the role of this variant in disease conclusively. Therefore, this variant is classified as a Variant of Uncertain Significance.